The following is an entry in ClinVar:

NM_000553.6(WRN):c.1533TGA[1] (p.Asp512del)

Gene: WRN (WRN RecQ like helicase; plus strand). Cytogenetic location: 8p12.
Variant type: Microsatellite.
Coding change: c.1533TGA[1] on transcript NM_000553.6 (MANE Select); one copy of the 3-base unit TGA starting at c.1533; the reference has two copies in a row; one copy, 3 bases deleted.
Protein change: p.Asp512del; deletes aspartic acid 512.
Molecular consequence: inframe deletion.
Genome position (GRCh38, 1-based): chr8:31,087,880-31,087,882, TGA deleted; deleting any 3 consecutive bases within chr8:31,087,875-31,087,882 gives the same sequence; the position shown is the placement nearest the transcript's 3' end. VCF-style (leftmost placement, unchanged base first): chr8-31087874-AGAT-A. GRCh37 (hg19) VCF-style: chr8-30945390-AGAT-A.
Other names: short protein forms D512del.
Identifiers: ClinVar variation 576757 (VCV000576757.5), dbSNP rs746348167, ClinGen allele CA891843345.

ClinVar aggregate classification (germline): Uncertain significance (1 of 4 stars; one submission).

Conditions:
Werner syndrome (WRN). Identifiers: Orphanet 902, MedGen C0043119, MONDO:0010196, OMIM 277700.

Submission:

Labcorp Genetics (formerly Invitae), Labcorp
Classification: Uncertain significance for Werner syndrome. Last evaluated: 2018-05-10. Review status: criteria provided, single submitter. Criteria: Invitae Variant Classification Sherloc (09022015). Collection method: clinical testing. Allele origin: germline.
Comment: Experimental studies and prediction algorithms are not available for this variant, and the functional significance of the deleted amino acid is currently unknown. In summary, the available evidence is currently insufficient to determine the role of this variant in disease. Therefore, it has been classified as a Variant of Uncertain Significance. This variant has not been reported in the literature in individuals with WRN-related disease. This variant is not present in population databases (ExAC no frequency). This variant, c.1536_1538delTGA, results in the deletion of 1 amino acid of the WRN protein (p.Asp512del), but otherwise preserves the integrity of the reading frame.